The following is an entry in ClinVar:

ClinVar aggregate classification (germline): Uncertain significance (1 of 4 stars; one submission).

Allele frequency attached by ClinVar (database versions not stated): TOPMed below 0.00001; ExAC 0.00001.

Submission:

Ambry Genetics
Classification: Uncertain significance. Last evaluated: 2024-01-25. Review status: criteria provided, single submitter. Criteria: Ambry Variant Classification Scheme 2023. Collection method: clinical testing. Allele origin: germline.
Comment: The p.A1090V variant (also known as c.3269C>T), located in coding exon 18 of the PALLD gene, results from a C to T substitution at nucleotide position 3269. The alanine at codon 1090 is replaced by valine, an amino acid with similar properties. This amino acid position is conserved. In addition, this alteration is predicted to be tolerated by in silico analysis. Since supporting evidence is limited at this time, the clinical significance of this alteration remains unclear.

NM_001166108.2(PALLD):c.3320C>T (p.Ala1107Val)

Genes: CBR4 (carbonyl reductase 4; minus strand), PALLD (palladin, cytoskeletal associated protein; plus strand). Cytogenetic location: 4q32.3.
Variant type: single nucleotide variant.
Coding change: c.3320C>T on transcript NM_001166108.2 (MANE Select); coding-DNA position 3320, C replaced by T.
Protein change: p.Ala1107Val; replaces alanine 1107 with valine.
Molecular consequence: missense variant.
Genome position (GRCh38, 1-based): chr4:168,925,040, C>T. VCF-style: chr4-168925040-C-T. GRCh37 (hg19) VCF-style: chr4-169846191-C-T.
Other names: c.2123C>T, p.Ala708Val (NM_001166109.2); c.1808C>T, p.Ala603Val (NM_001166110.2); c.1148C>T, p.Ala383Val (NM_001367567.1, NM_001367569.1); c.1199C>T, p.Ala400Val (NM_001367568.1, NM_001367570.1); c.3269C>T, p.Ala1090Val (NM_016081.4); short protein forms A383V, A1107V, A1090V, A400V, A603V, A708V.
Identifiers: ClinVar variation 1729588 (VCV001729588.2), dbSNP rs756392060, ClinGen allele CA3136084.